The following is an entry in ClinVar:

NM_004618.5(TOP3A):c.2640C>T (p.His880=)

Gene: TOP3A (DNA topoisomerase III alpha; minus strand). Cytogenetic location: 17p11.2.
Variant type: single nucleotide variant.
Coding change: c.2640C>T on transcript NM_004618.5 (MANE Select); coding-DNA position 2640, C replaced by T.
Protein change: p.His880=; no amino-acid change (histidine 880 retained).
Molecular consequence: synonymous variant.
Genome position (GRCh38, 1-based): chr17:18,277,862, G>A on the plus strand (C>T on the coding strand, the complement: TOP3A is on the minus strand). VCF-style: chr17-18277862-G-A. GRCh37 (hg19) VCF-style: chr17-18181176-G-A.
Other names: p.His880=; c.2355C>T, p.His785= (NM_001320759.2); c.2640C>T (NM_004618.4).
Identifiers: ClinVar variation 1606467 (VCV001606467.12), dbSNP rs34098037, ClinGen allele CA8429551.

ClinVar aggregate classification (germline): Benign. Review status: criteria provided, multiple submitters, no conflicts (2 of 4 stars). 4 submissions from 4 submitters: Benign (3). 1 of the submissions does not count toward it. Last evaluated 2026-01-27.

Conditions:
TOP3A-related disorder. Also called: TOP3A-related condition; TOP3A-related disorders.

Allele frequency attached by ClinVar (database versions not stated): gnomAD exomes 0.00174 and 0.00491; ExAC 0.00595; gnomAD 0.01859 and 0.01990; TOPMed 0.02160; ESP Exome Variant Server 0.02191; 1000 Genomes Project 0.02256; 1000 Genomes Project 30x 0.02374.
gnomAD v4.1: 5,500 of 1,614,092 alleles (0.34%); highest among the groups gnomAD compares: African/African-American, 6.4%; 151 homozygotes.

Submissions (4):

Labcorp Genetics (formerly Invitae), Labcorp
Classification: Benign. Last evaluated: 2026-01-27. Review status: criteria provided, single submitter. Criteria: Invitae Variant Classification Sherloc (09022015). Collection method: clinical testing. Allele origin: germline.

Mayo Clinic Laboratories, Mayo Clinic
Classification: Benign. Last evaluated: 2023-09-27. Review status: criteria provided, single submitter. Criteria: ACMG Guidelines, 2015. Collection method: clinical testing. Allele origin: germline. Observed: 3 variant alleles.

Breakthrough Genomics
Classification: Benign. Review status: criteria provided, single submitter. Criteria: ACMG Guidelines, 2015. Collection method: not provided. Allele origin: germline. Inheritance: Autosomal recessive inheritance. Affected: yes.

PreventionGenetics, part of Exact Sciences
Classification: Benign for TOP3A-related condition. Last evaluated: 2019-05-08. Review status: no assertion criteria provided. Collection method: clinical testing. Allele origin: germline. Not counted in ClinVar's aggregate classification.
Comment: This variant is classified as benign based on ACMG/AMP sequence variant interpretation guidelines (Richards et al. 2015 PMID: 25741868, with internal and published modifications).